The following is an entry in ClinVar:

ClinVar aggregate classification (germline): Uncertain significance (1 of 4 stars; one submission).

Submission:

Ambry Genetics
Classification: Uncertain significance. Last evaluated: 2025-03-15. Review status: criteria provided, single submitter. Criteria: Ambry Variant Classification Scheme 2023. Collection method: clinical testing. Allele origin: germline.
Comment: The p.A379T variant (also known as c.1135G>A), located in coding exon 1 of the TET2 gene, results from a G to A substitution at nucleotide position 1135. The alanine at codon 379 is replaced by threonine, an amino acid with similar properties. This amino acid position is conserved. In addition, this alteration is predicted to be tolerated by in silico analysis. Based on the available evidence, the clinical significance of this variant remains unclear.

NM_001127208.3(TET2):c.1135G>A (p.Ala379Thr)

Genes: TET2 (tet methylcytosine dioxygenase 2; plus strand), TET2-AS1 (TET2 antisense RNA 1; minus strand). Cytogenetic location: 4q24.
Variant type: single nucleotide variant.
Coding change: c.1135G>A on transcript NM_001127208.3 (MANE Select); coding-DNA position 1135, G replaced by A.
Protein change: p.Ala379Thr; replaces alanine 379 with threonine.
Molecular consequence: missense variant.
Genome position (GRCh38, 1-based): chr4:105,235,077, G>A. VCF-style: chr4-105235077-G-A. GRCh37 (hg19) VCF-style: chr4-106156234-G-A.
Other names: c.1135G>A, p.Ala379Thr (NM_017628.4); short protein forms A379T.
Identifiers: ClinVar variation 3967466 (VCV003967466.1).